The following is an entry in ClinVar:

ClinVar aggregate classification (germline): Conflicting classifications of pathogenicity. Review status: criteria provided, conflicting classifications (1 of 4 stars). 6 submissions from 6 submitters: Likely pathogenic (2); Uncertain significance (2). 2 of the submissions do not count toward it. Last evaluated 2024-10-11.

Conditions:
Gastric cancer. Also called: Stomach cancer; Malignant tumor of stomach. Identifiers: MedGen C0024623, MeSH D013274, MONDO:0001056, OMIM 613659, HP:0012126.
Aplastic anemia. Identifiers: Orphanet 182040, Orphanet 88, MedGen C0002874, MONDO:0015909, OMIM 609135, HP:0001915.
Microcephaly, normal intelligence and immunodeficiency (NBS). Also called: BERLIN BREAKAGE SYNDROME; Nijmegen breakage syndrome; Microcephaly with normal intelligence immunodeficiency and lymphoreticular malignancies; Nonsyndromal microcephaly autosomal recessive with normal intelligence; Seemanova syndrome 2; IMMUNODEFICIENCY, MICROCEPHALY, AND CHROMOSOMAL INSTABILITY. Identifiers: Orphanet 647, MedGen C0398791, MONDO:0009623, OMIM 251260.
Hereditary cancer-predisposing syndrome. Also called: Hereditary Cancer Syndrome; Hereditary neoplastic syndrome; Tumor predisposition; Neoplastic Syndromes, Hereditary. Identifiers: Orphanet 140162, MedGen C0027672, MeSH D009386, MONDO:0015356.

gnomAD v4.1: 1 of 1,536,956 alleles (0.000065%); highest among the groups gnomAD compares: Non-Finnish European, 0.000089%; no homozygotes.

Submissions (6):

Ambry Genetics
Classification: Uncertain significance for Hereditary cancer-predisposing syndrome. Last evaluated: 2024-10-11. Review status: criteria provided, single submitter. Criteria: Ambry Variant Classification Scheme 2023. Collection method: clinical testing. Allele origin: germline.
Comment: The c.1846-1G>A intronic variant results from a G to A substitution one nucleotide upstream from coding exon 12 of the NBN gene. This alteration was not observed in unselected male breast cancer patients and was observed with an allele frequency of 0.0001 in 12,490 male controls of Japanese ancestry (Momozawa Y et al. Nat Commun, 2018 10;9:4083). This variant was reported in 1/60,466 breast cancer cases and in 1/53,461 controls (Dorling et al. N Engl J Med. 2021 02;384:428-439). In silico splice site analysis predicts that this alteration will weaken the native splice acceptor site. RNA studies have demonstrated that this alteration results in abnormal splicing in the set of samples tested (Ambry internal data). The resulting transcript is predicted to be in-frame and is not expected to trigger nonsense-mediated mRNA decay; however, direct evidence is unavailable. The exact functional effect of the altered amino acid sequence is unknown. This nucleotide position is highly conserved in available vertebrate species. Based on the available evidence, the clinical significance of this variant remains unclear.

Baylor Genetics
Classification: Uncertain significance for Aplastic anemia. Last evaluated: 2024-03-19. Review status: criteria provided, single submitter. Criteria: ACMG Guidelines, 2015. Collection method: clinical testing. Allele origin: unknown.

Labcorp Genetics (formerly Invitae), Labcorp
Classification: Likely pathogenic for Microcephaly, normal intelligence and immunodeficiency. Last evaluated: 2022-07-26. Review status: criteria provided, single submitter. Criteria: Invitae Variant Classification Sherloc (09022015). Collection method: clinical testing. Allele origin: germline.
Comment: In summary, the currently available evidence indicates that the variant is pathogenic, but additional data are needed to prove that conclusively. Therefore, this variant has been classified as Likely Pathogenic. Algorithms developed to predict the effect of sequence changes on RNA splicing suggest that this variant may disrupt the consensus splice site. ClinVar contains an entry for this variant (Variation ID: 371415). This variant has not been reported in the literature in individuals affected with NBN-related conditions. This variant is not present in population databases (gnomAD no frequency). This sequence change affects an acceptor splice site in intron 11 of the NBN gene. It is expected to disrupt RNA splicing. Variants that disrupt the donor or acceptor splice site typically lead to a loss of protein function (PMID: 16199547), and loss-of-function variants in NBN are known to be pathogenic (PMID: 9590180, 16415040).

Kariminejad - Najmabadi Pathology & Genetics Center
Classification: Likely pathogenic for Microcephaly, normal intelligence and immunodeficiency. Review status: criteria provided, single submitter. Criteria: ACMG Guidelines, 2015. Collection method: clinical testing. Allele origin: germline. Affected: no.

Laboratory for Genotyping Development, RIKEN
Classification: Pathogenic for Gastric cancer. Last evaluated: 2021-07-01. Review status: no assertion criteria provided. Collection method: research. Allele origin: germline. Not counted in ClinVar's aggregate classification.

Counsyl
Classification: Likely pathogenic for Microcephaly, normal intelligence and immunodeficiency. Last evaluated: 2016-09-21. Review status: no assertion criteria provided. Collection method: clinical testing. Allele origin: unknown. Not counted in ClinVar's aggregate classification.

Literature cited by the submitters: PubMed 30287823 (cited by Ambry Genetics); PubMed 33471991 (cited by Ambry Genetics); PubMed 16199547 (cited by Labcorp Genetics (formerly Invitae), Labcorp); PubMed 9590180 (cited by Labcorp Genetics (formerly Invitae), Labcorp); PubMed 16415040 (cited by Labcorp Genetics (formerly Invitae), Labcorp); PubMed 36988593 (cited by Laboratory for Genotyping Development, RIKEN).

NM_002485.5(NBN):c.1846-1G>A

Genes: NBN (nibrin; minus strand), LOC126860438 (MED14-independent group 3 enhancer GRCh37_chr8:90959982-90961181; plus strand). Cytogenetic location: 8q21.3.
Variant type: single nucleotide variant.
Coding change: c.1846-1G>A on transcript NM_002485.5 (MANE Select); the canonical splice acceptor site of the intron before coding-DNA position 1846, G replaced by A.
Molecular consequence: splice acceptor variant.
Genome position (GRCh38, 1-based): chr8:89,947,893, C>T on the plus strand (G>A on the coding strand, the complement: NBN is on the minus strand). VCF-style: chr8-89947893-C-T. GRCh37 (hg19) VCF-style: chr8-90960121-C-T.
Other names: c.1600-1G>A (NM_001024688.3).
Identifiers: ClinVar variation 371415 (VCV000371415.34), dbSNP rs61753717, ClinGen allele CA16041206.